The following is an entry in ClinVar:

NM_000199.5(SGSH):c.949+142_949+143del

Gene: SGSH (N-sulfoglucosamine sulfohydrolase; minus strand). Cytogenetic location: 17q25.3.
Variant type: Microsatellite.
Coding change: c.949+142_949+143del on transcript NM_000199.5 (MANE Select); bases 142 to 143 of the intron after coding-DNA position 949, 2 bases deleted (CT; older notation c.949+142_949+143delCT).
Molecular consequence: intron variant.
Genome position (GRCh38, 1-based): chr17:80,211,928-80,211,929, AG deleted on the plus strand (CT on the coding strand, the reverse complement: SGSH is on the minus strand); deleting any 2 consecutive bases within chr17:80,211,928-80,211,931 gives the same sequence; the c. name uses the placement nearest the transcript's 3' end. VCF-style (leftmost placement, unchanged base first): chr17-80211927-TAG-T. GRCh37 (hg19) VCF-style: chr17-78185726-TAG-T.
Other names: c.949+142_949+143del (NM_001352921.3); c.950-6_950-5del (NM_001352922.2).
Identifiers: ClinVar variation 4997503 (VCV004997503.1).

ClinVar aggregate classification (germline): Likely benign (1 of 4 stars; one submission).

Conditions:
SGSH-related disorder. Also called: SGSH-related condition.

Submission:

PreventionGenetics, part of Exact Sciences
Classification: Likely benign for SGSH-related condition. Last evaluated: 2024-10-31. Review status: criteria provided, single submitter. Criteria: ACMG Guidelines, 2015. Collection method: clinical testing. Allele origin: germline.
Comment: This variant is classified as likely benign based on ACMG/AMP sequence variant interpretation guidelines (Richards et al. 2015 PMID: 25741868, with internal and published modifications).